The following is an entry in ClinVar:

ClinVar aggregate classification (germline): Benign/Likely benign. Review status: criteria provided, multiple submitters, no conflicts (2 of 4 stars). 6 submissions from 6 submitters: Benign (2); Likely benign (1). 3 of the submissions do not count toward it. Last evaluated 2026-02-01.

Conditions:
PRPH-related disorder. Also called: PRPH-related condition.

Allele frequency attached by ClinVar (database versions not stated): 1000 Genomes Project 0.00080; 1000 Genomes Project 30x 0.00094; TOPMed 0.00223; ESP Exome Variant Server 0.00308; gnomAD 0.00402 and 0.00426; gnomAD exomes 0.00467 and 0.00478; ExAC 0.00534.
gnomAD v4.1: 7,348 of 1,613,890 alleles (0.46%); highest among the groups gnomAD compares: Non-Finnish European, 0.48%; 34 homozygotes.

Submissions (9):

CeGaT Center for Human Genetics Tuebingen
Classification: Likely benign. Last evaluated: 2026-02-01. Review status: criteria provided, single submitter. Criteria: CeGaT Center For Human Genetics Tuebingen Variant Classification Criteria Version 2. Collection method: clinical testing. Allele origin: germline. Affected: yes. Observed: 4 variant alleles.
Comment: PRPH: BS2; TROAP-AS1: BS2

GeneDx
Classification: Benign. Last evaluated: 2020-02-25. Review status: criteria provided, single submitter. Criteria: GeneDx Variant Classification Process June 2021. Collection method: clinical testing. Allele origin: germline. Affected: yes.
Comment: This variant is associated with the following publications: (PMID: 30992453)

Labcorp Genetics (formerly Invitae), Labcorp
Classification: Benign. Last evaluated: 2019-12-31. Review status: criteria provided, single submitter. Criteria: Invitae Variant Classification Sherloc (09022015). Collection method: clinical testing. Allele origin: germline.

PreventionGenetics, part of Exact Sciences
Classification: Likely benign for PRPH-related condition. Last evaluated: 2020-04-24. Review status: no assertion criteria provided. Collection method: clinical testing. Allele origin: germline. Not counted in ClinVar's aggregate classification.
Comment: This variant is classified as likely benign based on ACMG/AMP sequence variant interpretation guidelines (Richards et al. 2015 PMID: 25741868, with internal and published modifications).

Clinical Genetics, Academic Medical Center
Classification: Likely benign. Review status: no assertion criteria provided. Collection method: clinical testing. Allele origin: germline. Affected: yes. Study: VKGL Data-share Consensus. Not counted in ClinVar's aggregate classification.

Dr. Peter K. Rogan Lab, Western University
No classification provided (evidence only). Condition: Melanoma. Review status: no classification provided. Collection method: in vitro. Allele origin: not applicable. Functional consequence: retained intron. Not counted in ClinVar's aggregate classification.

Dr. Peter K. Rogan Lab, Western University
No classification provided (evidence only). Condition: Ovarian serous cystadenocarcinoma. Review status: no classification provided. Collection method: in vitro. Allele origin: not applicable. Functional consequence: retained intron. Not counted in ClinVar's aggregate classification.

Dr. Peter K. Rogan Lab, Western University
No classification provided (evidence only). Condition: Ovarian serous cystadenocarcinoma. Review status: no classification provided. Collection method: in vitro. Allele origin: not applicable. Functional consequence: retained intron. Not counted in ClinVar's aggregate classification.

Genome Diagnostics Laboratory, Amsterdam University Medical Center
Classification: Likely benign. Review status: no assertion criteria provided. Collection method: clinical testing. Allele origin: germline. Affected: yes. Study: VKGL Data-share Consensus. Not counted in ClinVar's aggregate classification.

NM_006262.4(PRPH):c.996+1G>A

Genes: PRPH (peripherin; plus strand), TROAP-AS1 (TROAP and PRPH antisense RNA 1; minus strand), LOC124629354 (Sharpr-MPRA regulatory region 11953; plus strand). Cytogenetic location: 12q13.12.
Variant type: single nucleotide variant.
Coding change: c.996+1G>A on transcript NM_006262.4 (MANE Select); the canonical splice donor site of the intron after coding-DNA position 996, G replaced by A.
Molecular consequence: splice donor variant. On other transcripts: non-coding transcript variant (1).
Genome position (GRCh38, 1-based): chr12:49,297,274, G>A. VCF-style: chr12-49297274-G-A. GRCh37 (hg19) VCF-style: chr12-49691057-G-A.
Other names: NC_000012.11:g.49691057G>A.
Identifiers: ClinVar variation 425005 (VCV000425005.52), dbSNP rs73112142, ClinGen allele CA6551008.